The following is an entry in ClinVar:

NM_000360.4(TH):c.685A>T (p.Ile229Phe)

Gene: TH (tyrosine hydroxylase; minus strand). Cytogenetic location: 11p15.5.
Variant type: single nucleotide variant.
Coding change: c.685A>T on transcript NM_000360.4 (MANE Select); coding-DNA position 685, A replaced by T.
Protein change: p.Ile229Phe; replaces isoleucine 229 with phenylalanine.
Molecular consequence: missense variant.
Genome position (GRCh38, 1-based): chr11:2,167,445, T>A on the plus strand (A>T on the coding strand, the complement: TH is on the minus strand). VCF-style: chr11-2167445-T-A. GRCh37 (hg19) VCF-style: chr11-2188675-T-A.
Other names: c.778A>T, p.Ile260Phe (NM_199292.3); c.766A>T, p.Ile256Phe (NM_199293.3); short protein forms I260F, I229F, I256F.
Identifiers: ClinVar variation 571044 (VCV000571044.14), dbSNP rs778613708, ClinGen allele CA5818536.

ClinVar aggregate classification (germline): Likely benign. Review status: criteria provided, single submitter (1 of 4 stars). 3 submissions from 3 submitters: Likely benign (1). 2 of the submissions do not count toward it. Last evaluated 2026-02-02.

Conditions:
TH-related disorder. Also called: TH-related condition.
TH-deficient dopa-responsive dystonia. Also called: DYT-TH; Tyrosine Hydroxylase-Deficient Dopa-Responsive Dystonia; Segawa syndrome, autosomal recessive. Identifiers: Orphanet 101150, MedGen C2673535, MONDO:0011551, OMIM 605407.

Allele frequency attached by ClinVar (database versions not stated): gnomAD exomes 0.00014 and 0.00040; gnomAD 0.00008 and 0.00007; TOPMed 0.00019.

Submissions (3):

Labcorp Genetics (formerly Invitae), Labcorp
Classification: Likely benign for TH-deficient dopa-responsive dystonia. Last evaluated: 2026-02-02. Review status: criteria provided, single submitter. Criteria: Invitae Variant Classification Sherloc (09022015). Collection method: clinical testing. Allele origin: germline.

PreventionGenetics, part of Exact Sciences
Classification: Likely benign for TH-related condition. Last evaluated: 2023-01-12. Review status: no assertion criteria provided. Collection method: clinical testing. Allele origin: germline. Not counted in ClinVar's aggregate classification.
Comment: This variant is classified as likely benign based on ACMG/AMP sequence variant interpretation guidelines (Richards et al. 2015 PMID: 25741868, with internal and published modifications).

Natera, Inc.
Classification: Uncertain significance for Autosomal recessive Segawa syndrome. Last evaluated: 2020-01-24. Review status: no assertion criteria provided. Collection method: clinical testing. Allele origin: germline. Not counted in ClinVar's aggregate classification.